The following is an entry in ClinVar:

ClinVar aggregate classification (germline): Uncertain significance (1 of 4 stars; one submission).

Conditions:
Hereditary cancer-predisposing syndrome. Also called: Neoplastic Syndromes, Hereditary; Tumor predisposition; Hereditary neoplastic syndrome; Hereditary Cancer Syndrome. Identifiers: Orphanet 140162, MedGen C0027672, MeSH D009386, MONDO:0015356.

Submission:

Ambry Genetics
Classification: Uncertain significance for Hereditary cancer-predisposing syndrome. Last evaluated: 2026-07-07. Review status: criteria provided, single submitter. Criteria: Ambry Variant Classification Scheme 2023. Collection method: clinical testing. Allele origin: germline.
Comment: The p.A34S variant (also known as c.100G>T), located in coding exon 1 of the TMEM127 gene, results from a G to T substitution at nucleotide position 100. The alanine at codon 34 is replaced by serine, an amino acid with similar properties. This amino acid position is conserved. In addition, the in silico prediction for this alteration is inconclusive. Based on the available evidence, the clinical significance of this variant remains unclear.

NM_017849.4(TMEM127):c.100G>T (p.Ala34Ser)

Genes: TMEM127 (transmembrane protein 127; minus strand), LOC129934333 (ATAC-STARR-seq lymphoblastoid silent region 11759; plus strand). Cytogenetic location: 2q11.2.
Variant type: single nucleotide variant.
Coding change: c.100G>T on transcript NM_017849.4 (MANE Select); coding-DNA position 100, G replaced by T.
Protein change: p.Ala34Ser; replaces alanine 34 with serine.
Molecular consequence: missense variant. On other transcripts: intron variant (1).
Genome position (GRCh38, 1-based): chr2:96,265,282, C>A on the plus strand (G>T on the coding strand, the complement: TMEM127 is on the minus strand). VCF-style: chr2-96265282-C-A. GRCh37 (hg19) VCF-style: chr2-96931020-C-A.
Other names: c.100G>T, p.Ala34Ser (NM_001193304.3); c.-9+587G>T (NM_001407283.1); short protein forms A34S.
Identifiers: ClinVar variation 5030923 (VCV005030923.1).
Genomic context (GRCh38, chr2:96,265,282, plus strand): 5'-ACCAGGCGGGCTCGGCGAGGGCAGTGCACAGCGCCGTGATAGACAGGGCGCCAGGCAGGG[C>A]CGAGGCCAGGCTACGCTCCGGCTGCTTGGGCAGAGCGCTGCCTCCCGGGCTCCTCCGCCG-3'
Protein context (NP_060319.1, residues 24-44): PKQPERSLAS[Ala34Ser]LPGALSITAL